The following is an entry in ClinVar:

NC_000003.11:g.(?_55504120)_(55521013_?)del

Gene: WNT5A (Wnt family member 5A; minus strand). Cytogenetic location: 3p14.3.
Variant type: Deletion.
Identifiers: ClinVar variation 2424678 (VCV002424678.4).

ClinVar aggregate classification (germline): Uncertain significance (1 of 4 stars; one submission).

Submission:

Labcorp Genetics (formerly Invitae), Labcorp
Classification: Uncertain significance. Last evaluated: 2022-09-02. Review status: criteria provided, single submitter. Criteria: Invitae Variant Classification Sherloc (09022015). Collection method: clinical testing. Allele origin: germline.
Comment: A gross deletion of the genomic region encompassing the full coding sequence of the WNT5A gene has been identified. The current clinical and genetic evidence is not sufficient to establish whether loss-of-function variants in WNT5A cause disease. The boundaries of this event are unknown as they extend beyond the assayed region for this gene and therefore may encompass additional genes. In summary, the available evidence is currently insufficient to determine the role of this variant in disease. Therefore, it has been classified as a Variant of Uncertain Significance. This variant has not been reported in the literature in individuals affected with WNT5A-related conditions.